The following is an entry in ClinVar:

NM_000135.4(FANCA):c.3908T>G (p.Leu1303Arg)

Genes: FANCA (FA complementation group A; minus strand), ZNF276 (zinc finger protein 276; plus strand). Cytogenetic location: 16q24.3.
Variant type: single nucleotide variant.
Coding change: c.3908T>G on transcript NM_000135.4 (MANE Select); coding-DNA position 3908, T replaced by G.
Protein change: p.Leu1303Arg; replaces leucine 1303 with arginine.
Molecular consequence: missense variant. On other transcripts: 3 prime UTR variant (2), non-coding transcript variant (4).
Genome position (GRCh38, 1-based): chr16:89,740,020, A>C on the plus strand (T>G on the coding strand, the complement: FANCA is on the minus strand). VCF-style: chr16-89740020-A-C. GRCh37 (hg19) VCF-style: chr16-89806428-A-C.
Other names: c.3908T>G, p.Leu1303Arg (NM_001286167.3); c.*1774A>C (NM_001113525.2, NM_152287.4); short protein forms L1303R.
Identifiers: ClinVar variation 4278570 (VCV004278570.1).

ClinVar aggregate classification (germline): Uncertain significance (1 of 4 stars; one submission).

gnomAD v4.1: 2 of 1,614,064 alleles (0.00012%); highest among the groups gnomAD compares: African/African-American, 0.0027%; no homozygotes.

Submission:

GeneDx
Classification: Uncertain significance. Last evaluated: 2025-04-03. Review status: criteria provided, single submitter. Criteria: GeneDx Variant Classification Process June 2021. Collection method: clinical testing. Allele origin: germline. Affected: yes.
Comment: Not observed at significant frequency in large population cohorts (gnomAD); In silico analysis supports that this missense variant has a deleterious effect on protein structure/function; Has not been previously published as pathogenic or benign to our knowledge